The following is an entry in ClinVar:

ClinVar aggregate classification (germline): Uncertain significance (1 of 4 stars; one submission).

gnomAD v4.1: 1 of 1,613,704 alleles (0.000062%); no homozygotes.

Submission:

Dasa
Classification: Uncertain significance. Last evaluated: 2024-10-10. Review status: criteria provided, single submitter. Criteria: DASA Assertion Criteria. Collection method: clinical testing. Allele origin: germline.
Comment: NM_006035.4(CDC42BPB):c.2708C>A (p.Ala903Asp) is a missense variant that results in the substitution of alanine with aspartic acid. This variant is rare in population databases. Computational prediction algorithms are consistent with a benign effect. The currently available literature and clinical evidence are not sufficient to establish a definitive association between this variant and the reported condition. Therefore, this variant is classified as a variant of uncertain significance.

NM_006035.4(CDC42BPB):c.2708C>A (p.Ala903Asp)

Gene: CDC42BPB (CDC42 binding protein kinase beta; minus strand). Cytogenetic location: 14q32.32.
Variant type: single nucleotide variant.
Coding change: c.2708C>A on transcript NM_006035.4 (MANE Select); coding-DNA position 2708, C replaced by A.
Protein change: p.Ala903Asp; replaces alanine 903 with aspartic acid.
Molecular consequence: missense variant.
Genome position (GRCh38, 1-based): chr14:102,964,520, G>T on the plus strand (C>A on the coding strand, the complement: CDC42BPB is on the minus strand). VCF-style: chr14-102964520-G-T. GRCh37 (hg19) VCF-style: chr14-103430857-G-T.
Other names: c.2708C>A, p.Ala903Asp (NM_001411054.1); short protein forms A903D.
Identifiers: ClinVar variation 4882977 (VCV004882977.2).